The following is an entry in ClinVar:

NM_015335.5(MED13L):c.3895G>A (p.Val1299Met)

Gene: MED13L (mediator complex subunit 13L; minus strand). Cytogenetic location: 12q24.21.
Variant type: single nucleotide variant.
Coding change: c.3895G>A on transcript NM_015335.5 (MANE Select); coding-DNA position 3895, G replaced by A.
Protein change: p.Val1299Met; replaces valine 1299 with methionine.
Molecular consequence: missense variant.
Genome position (GRCh38, 1-based): chr12:115,991,059, C>T on the plus strand (G>A on the coding strand, the complement: MED13L is on the minus strand). VCF-style: chr12-115991059-C-T. GRCh37 (hg19) VCF-style: chr12-116428864-C-T.
Other names: short protein forms V1299M.
Identifiers: ClinVar variation 1809837 (VCV001809837.1), dbSNP rs1565996916, ClinGen allele CA386886140.

ClinVar aggregate classification (germline): Uncertain significance (1 of 4 stars; one submission).

gnomAD v4.1: 1 of 1,614,186 alleles (0.000062%); highest among the groups gnomAD compares: Non-Finnish European, 0.000085%; no homozygotes.

Submission:

GeneDx
Classification: Uncertain significance. Last evaluated: 2022-06-27. Review status: criteria provided, single submitter. Criteria: GeneDx Variant Classification Process June 2021. Collection method: clinical testing. Allele origin: germline. Affected: yes.
Comment: Not observed at significant frequency in large population cohorts (gnomAD); In silico analysis supports that this missense variant does not alter protein structure/function; Has not been previously published as pathogenic or benign to our knowledge